The following is an entry in ClinVar:

ClinVar aggregate classification (germline): Uncertain significance (1 of 4 stars; one submission).

Conditions:
Hereditary cancer-predisposing syndrome. Also called: Neoplastic Syndromes, Hereditary; Tumor predisposition; Hereditary neoplastic syndrome; Hereditary Cancer Syndrome. Identifiers: Orphanet 140162, MedGen C0027672, MeSH D009386, MONDO:0015356.

Submission:

Ambry Genetics
Classification: Uncertain significance for Hereditary cancer-predisposing syndrome. Last evaluated: 2026-08-15. Review status: criteria provided, single submitter. Criteria: Ambry Variant Classification Scheme 2023. Collection method: clinical testing. Allele origin: germline.
Comment: The p.G132V variant (also known as c.395G>T), located in coding exon 1 of the HOXB13 gene, results from a G to T substitution at nucleotide position 395. The glycine at codon 132 is replaced by valine, an amino acid with dissimilar properties. This amino acid position is conserved. In addition, the in silico prediction for this alteration is inconclusive. Based on the available evidence, the clinical significance of this variant remains unclear.

NM_006361.6(HOXB13):c.395G>T (p.Gly132Val)

Gene: HOXB13 (homeobox B13; minus strand). Cytogenetic location: 17q21.32.
Variant type: single nucleotide variant.
Coding change: c.395G>T on transcript NM_006361.6 (MANE Select); coding-DNA position 395, G replaced by T.
Protein change: p.Gly132Val; replaces glycine 132 with valine.
Molecular consequence: missense variant.
Genome position (GRCh38, 1-based): chr17:48,728,199, C>A on the plus strand (G>T on the coding strand, the complement: HOXB13 is on the minus strand). VCF-style: chr17-48728199-C-A. GRCh37 (hg19) VCF-style: chr17-46805561-C-A.
Other names: short protein forms G132V.
Identifiers: ClinVar variation 5022708 (VCV005022708.1).